The following is an entry in ClinVar:

ClinVar aggregate classification (germline): Likely benign (1 of 4 stars; one submission).

Conditions:
Lathosterolosis. Also called: STEROL C5-DESATURASE DEFICIENCY; SC5D DEFICIENCY. Identifiers: Orphanet 46059, MedGen C1846421, MONDO:0011816, OMIM 607330.

Allele frequency attached by ClinVar (database versions not stated): gnomAD 0.00317 and 0.00318; 1000 Genomes Project 0.00339; 1000 Genomes Project 30x 0.00344; TOPMed 0.00359.
gnomAD v4.1: 487 of 152,258 alleles (0.32%); highest among the groups gnomAD compares: Middle Eastern, 1%; 2 homozygotes.

Submission:

Illumina Laboratory Services, Illumina
Classification: Likely benign for Lathosterolosis. Last evaluated: 2018-01-13. Review status: criteria provided, single submitter. Criteria: ICSL Variant Classification Criteria 13 December 2019. Collection method: clinical testing. Allele origin: germline.
Comment: This variant was observed in the ICSL laboratory as part of a predisposition screen in an ostensibly healthy population. It had not been previously curated by ICSL or reported in the Human Gene Mutation Database (HGMD: prior to June 1st, 2018), and was therefore a candidate for classification through an automated scoring system. Utilizing variant allele frequency, disease prevalence and penetrance estimates, and inheritance mode, an automated score was calculated to assess if this variant is too frequent to cause the disease. Based on the score and internal cut-off values, a variant classified as likely benign is not then subjected to further curation. The score for this variant resulted in a classification of likely benign for this disease.

NM_006918.5(SC5D):c.*4342C>T

Gene: SC5D (sterol-C5-desaturase; plus strand). Cytogenetic location: 11q24.1.
Variant type: single nucleotide variant.
Coding change: c.*4342C>T on transcript NM_006918.5 (MANE Select); 4342 bases downstream of the stop codon, C replaced by T.
Molecular consequence: 3 prime UTR variant.
Genome position (GRCh38, 1-based): chr11:121,311,854, C>T. VCF-style: chr11-121311854-C-T. GRCh37 (hg19) VCF-style: chr11-121182563-C-T.
Other names: c.*4342C>T (NM_001024956.3).
Identifiers: ClinVar variation 879668 (VCV000879668.4), dbSNP rs149181033, ClinGen allele CA229861023.